The following is an entry in ClinVar:

NM_020639.3(RIPK4):c.*748A>G

Gene: RIPK4 (receptor interacting serine/threonine kinase 4; minus strand). Cytogenetic location: 21q22.3.
Variant type: single nucleotide variant.
Coding change: c.*748A>G on transcript NM_020639.3 (MANE Select); 748 bases downstream of the stop codon, A replaced by G.
Molecular consequence: 3 prime UTR variant.
Genome position (GRCh38, 1-based): chr21:41,740,090, T>C on the plus strand (A>G on the coding strand, the complement: RIPK4 is on the minus strand). VCF-style: chr21-41740090-T-C. GRCh37 (hg19) VCF-style: chr21-43160250-T-C.
Identifiers: ClinVar variation 339993 (VCV000339993.5), dbSNP rs17113877, ClinGen allele CA10653630.

ClinVar aggregate classification (germline): Likely benign (1 of 4 stars; one submission).

Conditions:
Bartsocas-Papas syndrome 1. Also called: Bartsocas-Papas syndrome; MULTIPLE PTERYGIUM SYNDROME, ASLAN TYPE; PTERYGIUM, POPLITEAL, LETHAL TYPE. Identifiers: Orphanet 1234, MedGen C1849718, MONDO:0009901, OMIM 263650.

Allele frequency attached by ClinVar (database versions not stated): gnomAD 0.02775; TOPMed 0.03195; 1000 Genomes Project 0.03554; 1000 Genomes Project 30x 0.03888.

Submission:

Illumina Laboratory Services, Illumina
Classification: Likely benign for Bartsocas-Papas syndrome 1. Last evaluated: 2017-04-27. Review status: criteria provided, single submitter. Criteria: ICSL Variant Classification Criteria 13 December 2019. Collection method: clinical testing. Allele origin: germline.
Comment: This variant was observed as part of a predisposition screen in an ostensibly healthy population. A literature search was performed for the gene, cDNA change, and amino acid change (where applicable). No publications were found based on this search. Allele frequency data from public databases allowed determination this variant is unlikely to cause disease. Therefore, this variant is classified as likely benign.